The following is an entry in ClinVar:

ClinVar aggregate classification (germline): Likely benign (1 of 4 stars; one submission).

Submission:

CeGaT Center for Human Genetics Tuebingen
Classification: Likely benign. Last evaluated: 2026-05-01. Review status: criteria provided, single submitter. Criteria: CeGaT Center For Human Genetics Tuebingen Variant Classification Criteria Version 2. Collection method: clinical testing. Allele origin: germline. Affected: yes. Observed: 2 variant alleles.
Comment: ZFHX4: BP4, BP7

NM_024721.5(ZFHX4):c.6162T>C (p.Pro2054=)

Gene: ZFHX4 (zinc finger homeobox 4; plus strand). Cytogenetic location: 8q21.13.
Variant type: single nucleotide variant.
Coding change: c.6162T>C on transcript NM_024721.5 (MANE Select); coding-DNA position 6162, T replaced by C.
Protein change: p.Pro2054=; no amino-acid change (proline 2054 retained).
Molecular consequence: synonymous variant.
Genome position (GRCh38, 1-based): chr8:76,853,083, T>C. VCF-style: chr8-76853083-T-C. GRCh37 (hg19) VCF-style: chr8-77765319-T-C.
Other names: c.6084T>C, p.Pro2028= (NM_001410934.1).
Identifiers: ClinVar variation 3777819 (VCV003777819.7).
Genomic context (GRCh38, chr8:76,853,083, plus strand): 5'-TCTGCAAGCTCCACCACCCACTCCTCCCCCACCACCACCACCTCCTCCTCCTCCTCCTCC[T>C]CCCCCCCCACCTCCTCCACCTTCTGCTCCTCCACAGGTCCAACTGCCGGTTTCTCTGGAC-3'
Protein context (NP_078997.4, residues 2044-2064): PPPPPPPPPP[Pro2054=]PPPPPPPSAP